The following is an entry in ClinVar:

ClinVar aggregate classification (germline): Uncertain significance (1 of 4 stars; one submission).

Conditions:
46,XY sex reversal 6. Also called: 46,XY SEX REVERSAL, PARTIAL OR COMPLETE, MAP3K1-RELATED; 46,XY GONADAL DYSGENESIS, PARTIAL OR COMPLETE, MAP3K1-RELATED. Identifiers: MedGen C3151064, MONDO:0013410, OMIM 613762.

Submission:

Labcorp Genetics (formerly Invitae), Labcorp
Classification: Uncertain significance for 46,XY sex reversal, type 6. Last evaluated: 2019-11-12. Review status: criteria provided, single submitter. Criteria: Invitae Variant Classification Sherloc (09022015). Collection method: clinical testing. Allele origin: germline.
Comment: This sequence change replaces threonine with isoleucine at codon 379 of the MAP3K1 protein (p.Thr379Ile). The threonine residue is moderately conserved and there is a moderate physicochemical difference between threonine and isoleucine. This variant is not present in population databases (ExAC no frequency). This variant has not been reported in the literature in individuals with MAP3K1-related conditions. Algorithms developed to predict the effect of missense changes on protein structure and function are either unavailable or do not agree on the potential impact of this missense change (SIFT: "Deleterious"; PolyPhen-2: "Benign"; Align-GVGD: "Class C0"). In summary, the available evidence is currently insufficient to determine the role of this variant in disease. Therefore, it has been classified as a Variant of Uncertain Significance.

NM_005921.2(MAP3K1):c.1136C>T (p.Thr379Ile)

Gene: MAP3K1 (mitogen-activated protein kinase kinase kinase 1; plus strand). Cytogenetic location: 5q11.2.
Variant type: single nucleotide variant.
Coding change: c.1136C>T on transcript NM_005921.2 (MANE Select); coding-DNA position 1136, C replaced by T.
Protein change: p.Thr379Ile; replaces threonine 379 with isoleucine.
Molecular consequence: missense variant.
Genome position (GRCh38, 1-based): chr5:56,865,440, C>T. VCF-style: chr5-56865440-C-T. GRCh37 (hg19) VCF-style: chr5-56161267-C-T.
Other names: short protein forms T379I.
Identifiers: ClinVar variation 959411 (VCV000959411.1), dbSNP rs1747647344, ClinGen allele CA359803402.